The following is an entry in ClinVar:

NM_001082486.2(ACD):c.7G>C (p.Gly3Arg)

Gene: ACD (ACD shelterin complex subunit and telomerase recruitment factor; minus strand). Cytogenetic location: 16q22.1.
Variant type: single nucleotide variant.
Coding change: c.7G>C on transcript NM_001082486.2 (MANE Select); coding-DNA position 7, G replaced by C.
Protein change: p.Gly3Arg; replaces glycine 3 with arginine.
Molecular consequence: missense variant.
Genome position (GRCh38, 1-based): chr16:67,660,214, C>G on the plus strand (G>C on the coding strand, the complement: ACD is on the minus strand). VCF-style: chr16-67660214-C-G. GRCh37 (hg19) VCF-style: chr16-67694117-C-G.
Other names: c.7G>C, p.Gly3Arg (NM_001410884.1, NM_022914.3); short protein forms G3R.
Identifiers: ClinVar variation 3479717 (VCV003479717.1).

ClinVar aggregate classification (germline): Uncertain significance (1 of 4 stars; one submission).

Conditions:
Inborn genetic diseases. Identifiers: MedGen C0950123, MeSH D030342.

gnomAD v4.1: 1 of 1,612,614 alleles (0.000062%); highest among the groups gnomAD compares: Non-Finnish European, 0.000085%; no homozygotes.

Submission:

Ambry Genetics
Classification: Uncertain significance for Inborn genetic diseases. Last evaluated: 2024-10-28. Review status: criteria provided, single submitter. Criteria: Ambry Variant Classification Scheme 2023. Collection method: clinical testing. Allele origin: germline.
Comment: The p.G89R variant (also known as c.265G>C), located in coding exon 1 of the ACD gene, results from a G to C substitution at nucleotide position 265. The glycine at codon 89 is replaced by arginine, an amino acid with dissimilar properties. This amino acid position is conserved. In addition, this alteration is predicted to be tolerated by in silico analysis. Based on the available evidence, the clinical significance of this variant remains unclear.